The following is an entry in ClinVar:

NM_005120.3(MED12):c.2461G>A (p.Glu821Lys)

Gene: MED12 (mediator complex subunit 12; plus strand). Cytogenetic location: Xq13.1.
Variant type: single nucleotide variant.
Coding change: c.2461G>A on transcript NM_005120.3 (MANE Select); coding-DNA position 2461, G replaced by A.
Protein change: p.Glu821Lys; replaces glutamic acid 821 with lysine.
Molecular consequence: missense variant.
Genome position (GRCh38, 1-based): chrX:71,126,074, G>A. VCF-style: chrX-71126074-G-A. GRCh37 (hg19) VCF-style: chrX-70345924-G-A.
Other names: short protein forms E821K.
Identifiers: ClinVar variation 3898769 (VCV003898769.1).
Genomic context (GRCh38, chrX:71,126,074, plus strand): 5'-TCCCTTTCAACTGTCCCCTCAGGTGGGGAGGATGGGCAGAAGCGGCGACGCAACCGGCCT[G>A]AAGCCTTCCCCACTGCTGAAGATATCTTTGCTAAGTTCCAGCACCTTTCACATTATGACC-3'
Protein context (NP_005111.2, residues 811-831): DGQKRRRNRP[Glu821Lys]AFPTAEDIFA

ClinVar aggregate classification (germline): Uncertain significance (1 of 4 stars; one submission).

Submission:

GeneDx
Classification: Uncertain significance. Last evaluated: 2024-11-12. Review status: criteria provided, single submitter. Criteria: GeneDx Variant Classification Process June 2021. Collection method: clinical testing. Allele origin: germline. Affected: yes.
Comment: Not observed at significant frequency in large population cohorts (gnomAD); In silico analysis supports that this missense variant has a deleterious effect on protein structure/function; Has not been previously published as pathogenic or benign to our knowledge